The following is an entry in ClinVar:

NM_018075.5(ANO10):c.1710C>T (p.Asn570=)

Gene: ANO10 (anoctamin 10; minus strand). Cytogenetic location: 3p22.1.
Variant type: single nucleotide variant.
Coding change: c.1710C>T on transcript NM_018075.5 (MANE Select); coding-DNA position 1710, C replaced by T.
Protein change: p.Asn570=; no amino-acid change (asparagine 570 retained).
Molecular consequence: synonymous variant.
Genome position (GRCh38, 1-based): chr3:43,549,807, G>A on the plus strand (C>T on the coding strand, the complement: ANO10 is on the minus strand). VCF-style: chr3-43549807-G-A. GRCh37 (hg19) VCF-style: chr3-43591299-G-A.
Other names: c.1710C>T, p.Asn570= (NM_001204831.3, NM_001346465.2, NM_001346468.2); c.1512C>T, p.Asn504= (NM_001204832.3, NM_001346466.2, NM_001346469.2); c.1377C>T, p.Asn459= (NM_001204833.3); c.1140C>T, p.Asn380= (NM_001204834.3); c.1827C>T, p.Asn609= (NM_001346463.2, NM_001346464.2, NM_001346467.2).
Identifiers: ClinVar variation 901747 (VCV000901747.10), dbSNP rs142862162, ClinGen allele CA2340692.
Genomic context (GRCh38, chr3:43,549,807, plus strand): 5'-GTCTGCTTTTGATTCTGGAAAGACTGCATTCACTTGTGGTGACATTCCAATCAGCGCACA[G>A]TTAGTGACCACAGATATAACACTCATCGTTTCAAAAGCCAACTAAAAGAAAAAAGAATGG-3'
Protein context (NP_060545.3, residues 560-580): ETMSVISVVT[Asn570=]CALIGMSPQV

ClinVar aggregate classification (germline): Conflicting classifications of pathogenicity. Review status: criteria provided, conflicting classifications (1 of 4 stars). 5 submissions from 5 submitters: Uncertain significance (3); Likely benign (2). Last evaluated 2025-12-28.

Conditions:
Autosomal recessive spinocerebellar ataxia 10. Identifiers: Orphanet 284289, MedGen C3150998, MONDO:0013392, OMIM 613728.

Allele frequency attached by ClinVar (database versions not stated): gnomAD 0.00003; TOPMed 0.00005; gnomAD exomes 0.00008; ExAC 0.00010; 1000 Genomes Project 30x 0.00016; 1000 Genomes Project 0.00020.
gnomAD v4.1: 118 of 1,613,952 alleles (0.0073%); highest among the groups gnomAD compares: Middle Eastern, 0.18%; no homozygotes.

Submissions (5):

Labcorp Genetics (formerly Invitae), Labcorp
Classification: Likely benign. Last evaluated: 2025-12-28. Review status: criteria provided, single submitter. Criteria: Invitae Variant Classification Sherloc (09022015). Collection method: clinical testing. Allele origin: germline.

Blueprint Genetics
Classification: Likely benign. Last evaluated: 2024-03-13. Review status: criteria provided, single submitter. Criteria: ACMG Guidelines, 2015. Collection method: clinical testing. Allele origin: germline.

Athena Diagnostics
Classification: Uncertain significance. Last evaluated: 2023-11-17. Review status: criteria provided, single submitter. Criteria: Athena Diagnostics Criteria. Collection method: clinical testing. Allele origin: unknown.
Comment: Available data are insufficient to determine the clinical significance of the variant at this time. The frequency of this variant in the general population is uninformative in assessment of its pathogenicity. Computational tools yielded predictions that this variant is unlikely to have an effect on normal RNA splicing.

Illumina Laboratory Services, Illumina
Classification: Uncertain significance for Autosomal recessive spinocerebellar ataxia 10. Last evaluated: 2018-01-12. Review status: criteria provided, single submitter. Criteria: ICSL Variant Classification Criteria 13 December 2019. Collection method: clinical testing. Allele origin: germline.

Breakthrough Genomics
Classification: Uncertain significance. Review status: criteria provided, single submitter. Criteria: ACMG Guidelines, 2015. Collection method: not provided. Allele origin: germline. Inheritance: Autosomal recessive inheritance. Affected: yes.